The following is an entry in ClinVar:

ClinVar aggregate classification (germline): Uncertain significance (1 of 4 stars; one submission).

Conditions:
DYNC1H1-related disorder. Also called: DYNC1H1-related condition; DYNC1H1-related disorders. Identifiers: MedGen CN381529.

Submission:

3billion
Classification: Uncertain significance for DYNC1H1-related disorder. Last evaluated: 2025-12-04. Review status: criteria provided, single submitter. Criteria: ACMG Guidelines, 2015. Collection method: clinical testing. Allele origin: germline. Affected: yes.
Comment: The variant is not observed in the gnomAD v4.1.0 dataset. Predicted Consequence/Location: Missense variant. Missense changes are a common disease-causing mechanism. Different missense changes at the same codon have been reported as of uncertain significance (ClinVar ID: VCV001503809, VCV002441058). Therefore, this variant is classified as VUS according to the recommendation of ACMG/AMP guideline.

NM_001376.5(DYNC1H1):c.1474G>C (p.Ala492Pro)

Gene: DYNC1H1 (dynein cytoplasmic 1 heavy chain 1; plus strand). Cytogenetic location: 14q32.31.
Variant type: single nucleotide variant.
Coding change: c.1474G>C on transcript NM_001376.5 (MANE Select); coding-DNA position 1474, G replaced by C.
Protein change: p.Ala492Pro; replaces alanine 492 with proline.
Molecular consequence: missense variant.
Genome position (GRCh38, 1-based): chr14:101,985,699, G>C. VCF-style: chr14-101985699-G-C. GRCh37 (hg19) VCF-style: chr14-102452036-G-C.
Other names: short protein forms A492P.
Identifiers: ClinVar variation 4854850 (VCV004854850.1).